The following is an entry in ClinVar:

ClinVar aggregate classification (germline): Uncertain significance (1 of 4 stars; one submission).

Submission:

GeneDx
Classification: Uncertain significance. Last evaluated: 2025-01-16. Review status: criteria provided, single submitter. Criteria: GeneDx Variant Classification Process June 2021. Collection method: clinical testing. Allele origin: germline. Affected: yes.
Comment: Not observed at significant frequency in large population cohorts (gnomAD); In silico analysis supports that this missense variant has a deleterious effect on protein structure/function; Has not been previously published as pathogenic or benign to our knowledge

NM_001318510.2(ACSL4):c.731C>T (p.Pro244Leu)

Gene: ACSL4 (acyl-CoA synthetase long chain family member 4; minus strand). Cytogenetic location: Xq23.
Variant type: single nucleotide variant.
Coding change: c.731C>T on transcript NM_001318510.2 (MANE Select); coding-DNA position 731, C replaced by T.
Protein change: p.Pro244Leu; replaces proline 244 with leucine.
Molecular consequence: missense variant.
Genome position (GRCh38, 1-based): chrX:109,678,340, G>A on the plus strand (C>T on the coding strand, the complement: ACSL4 is on the minus strand). VCF-style: chrX-109678340-G-A. GRCh37 (hg19) VCF-style: chrX-108921569-G-A.
Other names: c.854C>T, p.Pro285Leu (NM_001318509.2, NM_022977.3); c.731C>T, p.Pro244Leu (NM_004458.3); short protein forms P244L, P285L.
Identifiers: ClinVar variation 4070856 (VCV004070856.1).